The following is an entry in ClinVar:

ClinVar aggregate classification (germline): Uncertain significance (1 of 4 stars; one submission).

Conditions:
Coenzyme Q10 deficiency, primary, 1. Also called: UBIQUINONE DEFICIENCY 1; COENZYME Q DEFICIENCY 1; CoQ DEFICIENCY 1. Identifiers: Orphanet 255249, MedGen C3551954, MONDO:0011829, OMIM 607426.

Submission:

3billion
Classification: Uncertain significance for Coenzyme Q10 deficiency, primary, 1. Last evaluated: 2024-12-05. Review status: criteria provided, single submitter. Criteria: ACMG Guidelines, 2015. Collection method: clinical testing. Allele origin: germline. Affected: yes.
Comment: The variant is not observed in the gnomAD v4.1.0 dataset. Predicted Consequence/Location: Missense variant In silico tool predictions suggest damaging effect of the variant on gene or gene product [REVEL: 0.94 (>=0.6, sensitivity 0.68 and specificity 0.92)]. Different missense changes at the same codon have been reported as of uncertain significance (ClinVar ID: VCV002162055). Therefore, this variant is classified as VUS according to the recommendation of ACMG/AMP guideline.

NM_001358921.2(COQ2):c.446T>A (p.Ile149Lys)

Gene: COQ2 (coenzyme Q2, polyprenyltransferase; minus strand). Cytogenetic location: 4q21.23.
Variant type: single nucleotide variant.
Coding change: c.446T>A on transcript NM_001358921.2 (MANE Select); coding-DNA position 446, T replaced by A.
Protein change: p.Ile149Lys; replaces isoleucine 149 with lysine.
Molecular consequence: missense variant.
Genome position (GRCh38, 1-based): chr4:83,273,592, A>T on the plus strand (T>A on the coding strand, the complement: COQ2 is on the minus strand). VCF-style: chr4-83273592-A-T. GRCh37 (hg19) VCF-style: chr4-84194745-A-T.
Other names: c.596T>A, p.Ile199Lys (NM_015697.9); short protein forms I149K, I199K.
Identifiers: ClinVar variation 4293829 (VCV004293829.1).
Genomic context (GRCh38, chr4:83,273,592, plus strand): 5'-AGGGTTAGCTGTCCCCCAAGAAAAACAAAGGACTGAAAAGTTGAAATGTCTCCAGCGGCT[A>T]TTGGACGATTGGCTGTTCTTGTAACCTTAAAACATAAAAACAGATACCTTAGCTTCATGT-3'
Protein context (NP_001345850.1, residues 139-159): KKVTRTANRP[Ile149Lys]AAGDISTFQS